The following is an entry in ClinVar:

NM_000532.5(PCCB):c.1514T>A (p.Ile505Asn)

Gene: PCCB (propionyl-CoA carboxylase subunit beta; plus strand). Cytogenetic location: 3q22.3.
Variant type: single nucleotide variant.
Coding change: c.1514T>A on transcript NM_000532.5 (MANE Select); coding-DNA position 1514, T replaced by A.
Protein change: p.Ile505Asn; replaces isoleucine 505 with asparagine.
Molecular consequence: missense variant.
Genome position (GRCh38, 1-based): chr3:136,329,920, T>A. VCF-style: chr3-136329920-T-A. GRCh37 (hg19) VCF-style: chr3-136048762-T-A.
Other names: c.1574T>A, p.Ile525Asn (NM_001178014.2); short protein forms I525N, I505N.
Identifiers: ClinVar variation 2203449 (VCV002203449.4), dbSNP rs1353542774, ClinGen allele CA354649955.
Genomic context (GRCh38, chr3:136,329,920, plus strand): 5'-ATCTCGGGATGCAGATGATCCACTCCCTTTTCTGTGCTTCACCAGGGTTTGTGGATGACA[T>A]CATCCAACCTTCTTCCACACGTGCCCGAATCTGCTGTGACCTGGATGTCTTGGCCAGCAA-3'
Protein context (NP_000523.2, residues 495-515): PAAVRGFVDD[Ile505Asn]IQPSSTRARI

ClinVar aggregate classification (germline): Pathogenic (1 of 4 stars; one submission).

Conditions:
Propionic acidemia (PROP). Also called: GLYCINEMIA, KETOTIC; HYPERGLYCINEMIA WITH KETOACIDOSIS AND LEUKOPENIA; KETOTIC HYPERGLYCINEMIA. Identifiers: Orphanet 35, MedGen C0268579, MONDO:0011628, OMIM 606054, HP:0003571.

Submission:

Labcorp Genetics (formerly Invitae), Labcorp
Classification: Pathogenic for Propionic acidemia. Last evaluated: 2022-09-15. Review status: criteria provided, single submitter. Criteria: Invitae Variant Classification Sherloc (09022015). Collection method: clinical testing. Allele origin: germline.
Comment: For these reasons, this variant has been classified as Pathogenic. This variant disrupts the p.Ile505 amino acid residue in PCCB. Other variant(s) that disrupt this residue have been determined to be pathogenic (Invitae). This suggests that this residue is clinically significant, and that variants that disrupt this residue are likely to be disease-causing. This sequence change replaces isoleucine, which is neutral and non-polar, with asparagine, which is neutral and polar, at codon 505 of the PCCB protein (p.Ile505Asn). This variant is not present in population databases (gnomAD no frequency). This missense change has been observed in individual(s) with propionic acidemia (PMID: 18599334). In at least one individual the data is consistent with being in trans (on the opposite chromosome) from a pathogenic variant. Advanced modeling of protein sequence and biophysical properties (such as structural, functional, and spatial information, amino acid conservation, physicochemical variation, residue mobility, and thermodynamic stability) performed at Invitae indicates that this missense variant is expected to disrupt PCCB protein function.

Literature cited by the submitters: PubMed 18599334.